The following is an entry in ClinVar:

ClinVar aggregate classification (germline): Uncertain significance (1 of 4 stars; one submission).

Submission:

Dasa
Classification: Uncertain significance. Last evaluated: 2025-09-01. Review status: criteria provided, single submitter. Criteria: DASA Assertion Criteria. Collection method: clinical testing. Allele origin: germline.
Comment: NM_001042681.2(RERE):c.320C>G (p.Pro107Arg) is a missense variant that results in the substitution of proline with arginine. This variant is absent from population databases. Computational prediction algorithms are consistent with a deleterious effect. The currently available literature and clinical evidence are not sufficient to establish a definitive association between this variant and the reported condition. Therefore, this variant is classified as a variant of uncertain significance.

NM_001042681.2(RERE):c.320C>G (p.Pro107Arg)

Gene: RERE (arginine-glutamic acid dipeptide repeats; minus strand). Cytogenetic location: 1p36.23.
Variant type: single nucleotide variant.
Coding change: c.320C>G on transcript NM_001042681.2 (MANE Select); coding-DNA position 320, C replaced by G.
Protein change: p.Pro107Arg; replaces proline 107 with arginine.
Molecular consequence: missense variant.
Genome position (GRCh38, 1-based): chr1:8,655,978, G>C on the plus strand (C>G on the coding strand, the complement: RERE is on the minus strand). VCF-style: chr1-8655978-G-C. GRCh37 (hg19) VCF-style: chr1-8716037-G-C.
Other names: c.320C>G, p.Pro107Arg (NM_012102.4); short protein forms P107R.
Identifiers: ClinVar variation 5020872 (VCV005020872.1).
Genomic context (GRCh38, chr1:8,655,978, plus strand): 5'-CAAGATCATTCCCCCACTGTAAACATTGGCAAGACCCAAACGTAAGGCTCCTTACCTCCT[G>C]GTCTGTAGACCACATCATCTTCAGTGATGTAGGATGTTATCTCACCGGTATCTGTCCTTT-3'
Protein context (NP_001036146.1, residues 97-117): YITEDDVVYR[Pro107Arg]GDCVYIESRR